The following is an entry in ClinVar:

NM_001256071.3(RNF213):c.12527A>G (p.Asn4176Ser)

Genes: RNF213 (ring finger protein 213; plus strand), RNF213-AS1 (RNF213 antisense RNA 1; minus strand), LOC126862663 (BRD4-independent group 4 enhancer GRCh37_chr17:78345568-78346767; plus strand). Cytogenetic location: 17q25.3.
Variant type: single nucleotide variant.
Coding change: c.12527A>G on transcript NM_001256071.3 (MANE Select); coding-DNA position 12527, A replaced by G.
Protein change: p.Asn4176Ser; replaces asparagine 4176 with serine.
Molecular consequence: missense variant.
Genome position (GRCh38, 1-based): chr17:80,371,975, A>G. VCF-style: chr17-80371975-A-G. GRCh37 (hg19) VCF-style: chr17-78345775-A-G.
Other names: c.12674A>G, p.Asn4225Ser (NM_001410195.1, NM_020914.5); c.12527A>G (NM_001256071.2); short protein forms N4176S, N4225S.
Identifiers: ClinVar variation 2575830 (VCV002575830.4), dbSNP rs527844265, ClinGen allele CA8822205.
Genomic context (GRCh38, chr17:80,371,975, plus strand): 5'-TGTTAAAAAAGAAAGCATTCATAACTGAAGATAAAACTGAACTGTACATGCTCTTCATCA[A>G]CTGCCTGGAGGTAAGTGAACTCTCTCTTCCCTGAATTTCTTTTGGAAACTATCTGAACCA-3'
Protein context (NP_001243000.2, residues 4166-4186): DKTELYMLFI[Asn4176Ser]CLEDSILEKT

ClinVar aggregate classification (germline): Conflicting classifications of pathogenicity. Review status: criteria provided, conflicting classifications (1 of 4 stars). 3 submissions from 3 submitters: Uncertain significance (2); Likely benign (1). Last evaluated 2026-08-11.

Conditions:
RNF213-related disorder. Also called: RNF213-related condition.

Allele frequency attached by ClinVar (database versions not stated): gnomAD exomes 0.00006; gnomAD 0.00008; TOPMed 0.00009; ExAC 0.00015; 1000 Genomes Project 30x 0.00016; 1000 Genomes Project 0.00020.
gnomAD v4.1: 91 of 1,567,738 alleles (0.0058%); highest among the groups gnomAD compares: East Asian, 0.14%; 1 homozygote.

Submissions (3):

PreventionGenetics, part of Exact Sciences
Classification: Uncertain significance for RNF213-related condition. Last evaluated: 2026-08-11. Review status: criteria provided, single submitter. Criteria: ACMG Guidelines, 2015. Collection method: clinical testing. Allele origin: germline.
Comment: The RNF213 c.12527A>G variant is predicted to result in the amino acid substitution p.Asn4176Ser. To our knowledge, this variant has not been reported in the literature. This variant is reported in 0.16% of alleles in individuals of East Asian descent in gnomAD. At this time, the clinical significance of this variant is uncertain due to the absence of conclusive functional and genetic evidence.

Labcorp Genetics (formerly Invitae), Labcorp
Classification: Likely benign. Last evaluated: 2025-09-15. Review status: criteria provided, single submitter. Criteria: Invitae Variant Classification Sherloc (09022015). Collection method: clinical testing. Allele origin: germline.

GeneDx
Classification: Uncertain significance. Last evaluated: 2023-02-09. Review status: criteria provided, single submitter. Criteria: GeneDx Variant Classification Process June 2021. Collection method: clinical testing. Allele origin: germline. Affected: yes.
Comment: Reported in the heterozygous state in an individual with intracranial artery stenosis (Hongo et al., 2020); In silico analysis supports that this missense variant has a deleterious effect on protein structure/function; This variant is associated with the following publications: (PMID: 32686731)